The following is an entry in ClinVar:

NM_001122764.3(PPOX):c.1316C>G (p.Ala439Gly)

Gene: PPOX (protoporphyrinogen oxidase; plus strand). Cytogenetic location: 1q23.3.
Variant type: single nucleotide variant.
Coding change: c.1316C>G on transcript NM_001122764.3 (MANE Select); coding-DNA position 1316, C replaced by G.
Protein change: p.Ala439Gly; replaces alanine 439 with glycine.
Molecular consequence: missense variant.
Genome position (GRCh38, 1-based): chr1:161,171,058, C>G. VCF-style: chr1-161171058-C-G. GRCh37 (hg19) VCF-style: chr1-161140848-C-G.
Other names: c.1316C>G, p.Ala439Gly (NM_000309.5, NM_001365398.1); c.1217C>G, p.Ala406Gly (NM_001350128.2); c.908C>G, p.Ala303Gly (NM_001350129.2, NM_001365400.1); c.830C>G, p.Ala277Gly (NM_001350130.2, NM_001350131.2, NM_001365401.1); c.1205C>G, p.Ala402Gly (NM_001365399.1); short protein forms A277G, A406G, A402G, A303G, A439G.
Identifiers: ClinVar variation 2765859 (VCV002765859.3), dbSNP rs2525367722, ClinGen allele CA343358979.

ClinVar aggregate classification (germline): Uncertain significance (1 of 4 stars; one submission).

Allele frequency attached by ClinVar (database versions not stated): gnomAD exomes below 0.00001.
gnomAD v4.1: 3 of 1,614,190 alleles (0.00019%); highest among the groups gnomAD compares: Non-Finnish European, 0.00025%; no homozygotes.

Submission:

Labcorp Genetics (formerly Invitae), Labcorp
Classification: Uncertain significance. Last evaluated: 2023-10-05. Review status: criteria provided, single submitter. Criteria: Invitae Variant Classification Sherloc (09022015). Collection method: clinical testing. Allele origin: germline.
Comment: This sequence change replaces alanine, which is neutral and non-polar, with glycine, which is neutral and non-polar, at codon 439 of the PPOX protein (p.Ala439Gly). This variant is not present in population databases (gnomAD no frequency). This variant has not been reported in the literature in individuals affected with PPOX-related conditions. Advanced modeling of protein sequence and biophysical properties (such as structural, functional, and spatial information, amino acid conservation, physicochemical variation, residue mobility, and thermodynamic stability) performed at Invitae indicates that this missense variant is not expected to disrupt PPOX protein function. In summary, the available evidence is currently insufficient to determine the role of this variant in disease. Therefore, it has been classified as a Variant of Uncertain Significance.